The following is an entry in ClinVar:

NM_001375380.1(EBF3):c.437A>G (p.Lys146Arg)

Gene: EBF3 (EBF transcription factor 3; minus strand). Cytogenetic location: 10q26.3.
Variant type: single nucleotide variant.
Coding change: c.437A>G on transcript NM_001375380.1 (MANE Select); coding-DNA position 437, A replaced by G.
Protein change: p.Lys146Arg; replaces lysine 146 with arginine.
Molecular consequence: missense variant.
Genome position (GRCh38, 1-based): chr10:129,958,982, T>C on the plus strand (A>G on the coding strand, the complement: EBF3 is on the minus strand). VCF-style: chr10-129958982-T-C. GRCh37 (hg19) VCF-style: chr10-131757246-T-C.
Other names: c.437A>G, p.Lys146Arg (NM_001005463.3, NM_001375379.1, NM_001375389.1 and 3 more transcripts); short protein forms K146R.
Identifiers: ClinVar variation 2577333 (VCV002577333.1), dbSNP rs1397587776, ClinGen allele CA378910711.

ClinVar aggregate classification (germline): Uncertain significance (1 of 4 stars; one submission).

Allele frequency attached by ClinVar (database versions not stated): gnomAD exomes below 0.00001; TOPMed below 0.00001.
gnomAD v4.1: 1 of 1,600,934 alleles (0.000062%); highest among the groups gnomAD compares: Admixed American, 0.0017%; no homozygotes.

Submission:

Women's Health and Genetics/Laboratory Corporation of America, LabCorp
Classification: Uncertain significance. Last evaluated: 2023-07-18. Review status: criteria provided, single submitter. Criteria: LabCorp Variant Classification Summary - May 2015. Collection method: clinical testing. Allele origin: germline.
Comment: Variant summary: EBF3 c.437A>G (p.Lys146Arg) results in a conservative amino acid change located in the Transcription factor COE, DNA-binding domain (IPR032200) of the encoded protein sequence. Four of five in-silico tools predict a benign effect of the variant on protein function. The variant allele was found at a frequency of 8.5e-06 in 235592 control chromosomes (gnomAD). The available data on variant occurrences in the general population are insufficient to allow any conclusion about variant significance. To our knowledge, no occurrence of c.437A>G in individuals affected with Hypotonia, Ataxia, And Delayed Development Syndrome and no experimental evidence demonstrating its impact on protein function have been reported. No submitters have cited clinical-significance assessments for this variant to ClinVar after 2014. Based on the evidence outlined above, the variant was classified as uncertain significance.